The following is an entry in ClinVar:

NM_000426.4(LAMA2):c.8703+2T>G

Gene: LAMA2 (laminin subunit alpha 2; plus strand). Cytogenetic location: 6q22.33.
Variant type: single nucleotide variant.
Coding change: c.8703+2T>G on transcript NM_000426.4 (MANE Select); the canonical splice donor site of the intron after coding-DNA position 8703, T replaced by G.
Molecular consequence: splice donor variant.
Genome position (GRCh38, 1-based): chr6:129,505,357, T>G. VCF-style: chr6-129505357-T-G. GRCh37 (hg19) VCF-style: chr6-129826502-T-G.
Other names: c.8691+2T>G (NM_001079823.2).
Identifiers: ClinVar variation 959044 (VCV000959044.8), dbSNP rs1785975460, ClinGen allele CA365635086.
Genomic context (GRCh38, chr6:129,505,357, plus strand): 5'-TGGGAATGCTGTATGTTGGTGGGTTACCCATCAACTACACTACCCGAAGAATTGGTCCAG[T>G]AAATATCTGATTTCTTCTTTATTACTTAAATATATGGCTGATTCATTTATTGATATATTT-3'

ClinVar aggregate classification (germline): Likely pathogenic (1 of 4 stars; one submission).

Conditions:
LAMA2-related muscular dystrophy (LAMA2-RD). Also called: Laminin alpha 2-related dystrophy. Identifiers: MedGen C5679788, MONDO:0100228.

Submission:

Labcorp Genetics (formerly Invitae), Labcorp
Classification: Likely pathogenic for LAMA2-related muscular dystrophy. Last evaluated: 2019-09-12. Review status: criteria provided, single submitter. Criteria: Invitae Variant Classification Sherloc (09022015). Collection method: clinical testing. Allele origin: germline.
Comment: This variant is not present in population databases (ExAC no frequency). This sequence change affects a donor splice site in intron 61 of the LAMA2 gene. It is expected to disrupt RNA splicing and likely results in an absent or disrupted protein product. This variant has not been reported in the literature in individuals with LAMA2-related conditions. In summary, the currently available evidence indicates that the variant is pathogenic, but additional data are needed to prove that conclusively. Therefore, this variant has been classified as Likely Pathogenic. Donor and acceptor splice site variants typically lead to a loss of protein function (PMID: 16199547), and loss-of-function variants in LAMA2 are known to be pathogenic (PMID: 18700894). Algorithms developed to predict the effect of sequence changes on RNA splicing suggest that this variant may disrupt the consensus splice site, but this prediction has not been confirmed by published transcriptional studies.

Literature cited by the submitters: PubMed 16199547; PubMed 18700894.